The following is an entry in ClinVar:

ClinVar aggregate classification (germline): Uncertain significance (1 of 4 stars; one submission).

Conditions:
Inborn genetic diseases. Identifiers: MedGen C0950123, MeSH D030342.

Allele frequency attached by ClinVar (database versions not stated): gnomAD exomes below 0.00001; ExAC 0.00002; TOPMed 0.00002; gnomAD 0.00003; ESP Exome Variant Server 0.00015.
gnomAD v4.1: 9 of 1,612,448 alleles (0.00056%); highest among the groups gnomAD compares: African/African-American, 0.011%; no homozygotes.

Submission:

Ambry Genetics
Classification: Uncertain significance for Inborn genetic diseases. Last evaluated: 2023-02-09. Review status: criteria provided, single submitter. Criteria: Ambry Variant Classification Scheme 2023. Collection method: clinical testing. Allele origin: germline.
Comment: The p.I1534V variant (also known as c.4600A>G), located in coding exon 32 of the LRRK2 gene, results from an A to G substitution at nucleotide position 4600. The isoleucine at codon 1534 is replaced by valine, an amino acid with highly similar properties. This amino acid position is conserved. In addition, this alteration is predicted to be tolerated by in silico analysis. Since supporting evidence is limited at this time, the clinical significance of this alteration remains unclear.

NM_198578.4(LRRK2):c.4600A>G (p.Ile1534Val)

Gene: LRRK2 (leucine rich repeat kinase 2; plus strand). Cytogenetic location: 12q12.
Variant type: single nucleotide variant.
Coding change: c.4600A>G on transcript NM_198578.4 (MANE Select); coding-DNA position 4600, A replaced by G.
Protein change: p.Ile1534Val; replaces isoleucine 1534 with valine.
Molecular consequence: missense variant.
Genome position (GRCh38, 1-based): chr12:40,314,035, A>G. VCF-style: chr12-40314035-A-G. GRCh37 (hg19) VCF-style: chr12-40707837-A-G.
Other names: short protein forms I1534V.
Identifiers: ClinVar variation 2489360 (VCV002489360.2), dbSNP rs141855590, ClinGen allele CA6514225.